The following is an entry in ClinVar:

ClinVar aggregate classification (germline): Uncertain significance (1 of 4 stars; one submission).

Submission:

Ambry Genetics
Classification: Uncertain significance. Last evaluated: 2023-07-01. Review status: criteria provided, single submitter. Criteria: Ambry Variant Classification Scheme 2023. Collection method: clinical testing. Allele origin: germline.
Comment: The p.S353C variant (also known as c.1057A>T), located in coding exon 5 of the MNDA gene, results from an A to T substitution at nucleotide position 1057. The serine at codon 353 is replaced by cysteine, an amino acid with dissimilar properties. This amino acid position is conserved. In addition, this alteration is predicted to be tolerated by in silico analysis. Since supporting evidence is limited at this time, the clinical significance of this alteration remains unclear.

NM_002432.3(MNDA):c.1057A>T (p.Ser353Cys)

Gene: MNDA (myeloid cell nuclear differentiation antigen; plus strand). Cytogenetic location: 1q23.1.
Variant type: single nucleotide variant.
Coding change: c.1057A>T on transcript NM_002432.3 (MANE Select); coding-DNA position 1057, A replaced by T.
Protein change: p.Ser353Cys; replaces serine 353 with cysteine.
Molecular consequence: missense variant.
Genome position (GRCh38, 1-based): chr1:158,847,797, A>T. VCF-style: chr1-158847797-A-T. GRCh37 (hg19) VCF-style: chr1-158817587-A-T.
Other names: short protein forms S353C.
Identifiers: ClinVar variation 2625381 (VCV002625381.2), dbSNP rs2526092480, ClinGen allele CA343044091.
Genomic context (GRCh38, chr1:158,847,797, plus strand): 5'-CACAAGAAGAACACAATTTATGAAATACAGGATAATACAGGATCCATGGATGTAGTGGGG[A>T]GTGGAAAATGGCACAATATCAAGTGTGAGAAAGGAGATAAACTTCGACTCTTCTGCCTTC-3'
Protein context (NP_002423.1, residues 343-363): DNTGSMDVVG[Ser353Cys]GKWHNIKCEK